The following is an entry in ClinVar:

ClinVar aggregate classification (germline): Uncertain significance (1 of 4 stars; one submission).

Allele frequency attached by ClinVar (database versions not stated): gnomAD exomes below 0.00001.
gnomAD v4.1: 2 of 1,613,944 alleles (0.00012%); highest among the groups gnomAD compares: Non-Finnish European, 0.00017%; no homozygotes.

Submission:

Labcorp Genetics (formerly Invitae), Labcorp
Classification: Uncertain significance. Last evaluated: 2022-11-07. Review status: criteria provided, single submitter. Criteria: Invitae Variant Classification Sherloc (09022015). Collection method: clinical testing. Allele origin: germline.
Comment: This sequence change replaces glycine, which is neutral and non-polar, with arginine, which is basic and polar, at codon 1851 of the COL7A1 protein (p.Gly1851Arg). In summary, the available evidence is currently insufficient to determine the role of this variant in disease. Therefore, it has been classified as a Variant of Uncertain Significance. This variant disrupts the triple helix domain of COL7A1. Glycine residues within the Gly-Xaa-Yaa repeats of the triple helix domain are required for the structure and stability of fibrillar collagens (PMID: 7695699, 8218237, 19344236), and variants at these glycine residues in COL7A1 are more frequently observed in individuals with disease than in the general population (PMID: 22058051). However, the clinical significance of this observation remains uncertain since only a limited number of affected individuals have been described to date. Advanced modeling of protein sequence and biophysical properties (such as structural, functional, and spatial information, amino acid conservation, physicochemical variation, residue mobility, and thermodynamic stability) performed at Invitae indicates that this missense variant is expected to disrupt COL7A1 protein function. This variant has not been reported in the literature in individuals affected with COL7A1-related conditions. This variant is not present in population databases (gnomAD no frequency).

Literature cited by the submitters: PubMed 7695699; PubMed 8218237; PubMed 19344236; PubMed 22058051.

NM_000094.4(COL7A1):c.5551G>C (p.Gly1851Arg)

Gene: COL7A1 (collagen type VII alpha 1 chain; minus strand). Cytogenetic location: 3p21.31.
Variant type: single nucleotide variant.
Coding change: c.5551G>C on transcript NM_000094.4 (MANE Select); coding-DNA position 5551, G replaced by C.
Protein change: p.Gly1851Arg; replaces glycine 1851 with arginine.
Molecular consequence: missense variant.
Genome position (GRCh38, 1-based): chr3:48,577,009, C>G on the plus strand (G>C on the coding strand, the complement: COL7A1 is on the minus strand). VCF-style: chr3-48577009-C-G. GRCh37 (hg19) VCF-style: chr3-48614442-C-G.
Other names: short protein forms G1851R.
Identifiers: ClinVar variation 1981605 (VCV001981605.4), dbSNP rs2531009960, ClinGen allele CA352670936.